The following is an entry in ClinVar:

ClinVar aggregate classification (germline): Conflicting classifications of pathogenicity. Review status: criteria provided, conflicting classifications (1 of 4 stars). 4 submissions from 4 submitters: Uncertain significance (3); Likely benign (1). Last evaluated 2025-05-02.

Conditions:
Cardiovascular phenotype. Identifiers: MedGen CN230736.
Cardiomyopathy (CMYO). Also called: Cardiomyopathies. Identifiers: Orphanet 167848, MedGen C0878544, MONDO:0004994, HP:0001638. Inheritance: Various modes of inheritance.
Lethal congenital glycogen storage disease of heart. Also called: GLYCOGEN STORAGE DISEASE OF HEART; PHOSPHORYLASE KINASE DEFICIENCY OF HEART. Identifiers: Orphanet 439854, MedGen C1849813, MONDO:0009867, OMIM 261740.
Hypertrophic cardiomyopathy. Also called: HYPERTROPHIC MYOCARDIOPATHY. Identifiers: Orphanet 217569, MedGen C0007194, MeSH D002312, MONDO:0005045, HP:0001639.

Allele frequency attached by ClinVar (database versions not stated): gnomAD exomes below 0.00001 and 0.00001; TOPMed below 0.00001.
gnomAD v4.1: 7 of 1,614,120 alleles (0.00043%); highest among the groups gnomAD compares: Admixed American, 0.0033%; no homozygotes.

Submissions (4):

Ambry Genetics
Classification: Uncertain significance for Cardiovascular phenotype. Last evaluated: 2025-05-02. Review status: criteria provided, single submitter. Criteria: Ambry Variant Classification Scheme 2023. Collection method: clinical testing. Allele origin: germline.
Comment: The p.R214G variant (also known as c.640A>G), located in coding exon 4 of the PRKAG2 gene, results from an A to G substitution at nucleotide position 640. The arginine at codon 214 is replaced by glycine, an amino acid with dissimilar properties. This amino acid position is conserved. In addition, this alteration is predicted to be tolerated by in silico analysis. Based on the available evidence, the clinical significance of this variant remains unclear.

All of Us Research Program, National Institutes of Health
Classification: Uncertain significance for Hypertrophic cardiomyopathy. Last evaluated: 2024-07-29. Review status: criteria provided, single submitter. Criteria: ACMG Guidelines, 2015. Collection method: clinical testing. Allele origin: germline. Inheritance: Autosomal dominant inheritance. Observed: 2 variant alleles, 2 heterozygotes.
Comment: This missense variant replaces arginine with glycine at codon 214 of the PRKAG2 protein. Computational prediction suggests that this variant may not impact protein structure and function (internally defined REVEL score threshold <= 0.5, PMID: 27666373). To our knowledge, functional studies have not been reported for this variant. This variant has not been reported in individuals affected with PRKAG2-related disorders in the literature. This variant has been identified in 2/251276 chromosomes in the general population by the Genome Aggregation Database (gnomAD). The available evidence is insufficient to determine the role of this variant in disease conclusively. Therefore, this variant is classified as a Variant of Uncertain Significance.

This study involves interpretation of variants in research participants for the purpose of population health screening. Participant phenotype was not available at the time of variant classification. Additional details can be found in publication PMID: 35346344, PMCID: PMC8962531

Color Diagnostics, LLC DBA Color Health
Classification: Uncertain significance for Cardiomyopathy. Last evaluated: 2024-03-06. Review status: criteria provided, single submitter. Criteria: ACMG Guidelines, 2015. Collection method: clinical testing. Allele origin: germline.
Comment: This missense variant replaces arginine with glycine at codon 214 of the PRKAG2 protein. Computational prediction suggests that this variant may not impact protein structure and function (internally defined REVEL score threshold <= 0.5, PMID: 27666373). To our knowledge, functional studies have not been reported for this variant. This variant has not been reported in individuals affected with PRKAG2-related disorders in the literature. This variant has been identified in 2/251276 chromosomes in the general population by the Genome Aggregation Database (gnomAD). The available evidence is insufficient to determine the role of this variant in disease conclusively. Therefore, this variant is classified as a Variant of Uncertain Significance.

Labcorp Genetics (formerly Invitae), Labcorp
Classification: Likely benign for Lethal congenital glycogen storage disease of heart. Last evaluated: 2023-11-27. Review status: criteria provided, single submitter. Criteria: Invitae Variant Classification Sherloc (09022015). Collection method: clinical testing. Allele origin: germline.

NM_016203.4(PRKAG2):c.640A>G (p.Arg214Gly)

Gene: PRKAG2 (protein kinase AMP-activated non-catalytic subunit gamma 2; minus strand). Cytogenetic location: 7q36.1.
Variant type: single nucleotide variant.
Coding change: c.640A>G on transcript NM_016203.4 (MANE Select); coding-DNA position 640, A replaced by G.
Protein change: p.Arg214Gly; replaces arginine 214 with glycine.
Molecular consequence: missense variant.
Genome position (GRCh38, 1-based): chr7:151,675,464, T>C on the plus strand (A>G on the coding strand, the complement: PRKAG2 is on the minus strand). VCF-style: chr7-151675464-T-C. GRCh37 (hg19) VCF-style: chr7-151372550-T-C.
Other names: c.268A>G, p.Arg90Gly (NM_001304527.2, NM_001363698.2); c.508A>G, p.Arg170Gly (NM_001040633.2); short protein forms R214G, R90G, R170G.
Identifiers: ClinVar variation 181488 (VCV000181488.15), dbSNP rs730880987, ClinGen allele CA014454.
Genomic context (GRCh38, chr7:151,675,464, plus strand): 5'-AAGGGCCCAGACTTACGGCTTTGGAGGGAGCATAGTGTGTCGGTGATGCCAGTGGAGGCC[T>C]GGTCGGGCTCTGGAAGGAAGACGGGCAGAACCTCTGCCCTGTGTCCGGGGGGGAAGACGA-3'
Protein context (NP_057287.2, residues 204-224): FCPSSFQSPT[Arg214Gly]PPLASPTHYA